The following is an entry in ClinVar:

ClinVar aggregate classification (germline): Conflicting classifications of pathogenicity. Review status: criteria provided, conflicting classifications (1 of 4 stars). 3 submissions from 3 submitters: Uncertain significance (1); Likely benign (1). 1 of the submissions does not count toward it. Last evaluated 2025-12-01.

Conditions:
COL6A3-related disorder. Also called: COL6A3-related condition; COL6A3-related disorders.
Bethlem myopathy 1A. Also called: Bethlem Muscular Dystrophy; MYOPATHY, BENIGN CONGENITAL, WITH CONTRACTURES; Bethlem myopathy 1. Identifiers: Orphanet 610, MedGen CN029274, MONDO:0024530, OMIM 158810.

Allele frequency attached by ClinVar (database versions not stated): gnomAD exomes 0.00001 and 0.00002; ExAC 0.00002; gnomAD 0.00008 and 0.00009; TOPMed 0.00008; 1000 Genomes Project 0.00020; 1000 Genomes Project 30x 0.00031.
gnomAD v4.1: 24 of 1,613,778 alleles (0.0015%); highest among the groups gnomAD compares: African/African-American, 0.028%; no homozygotes.

Submissions (3):

Labcorp Genetics (formerly Invitae), Labcorp
Classification: Likely benign for Bethlem myopathy 1A. Last evaluated: 2025-12-01. Review status: criteria provided, single submitter. Criteria: Invitae Variant Classification Sherloc (09022015). Collection method: clinical testing. Allele origin: germline.

Eurofins Ntd Llc (ga)
Classification: Uncertain significance. Last evaluated: 2016-07-08. Review status: criteria provided, single submitter. Criteria: EGL Classification Definitions 2015. Collection method: clinical testing. Allele origin: germline. Observed: 2 variant alleles, 2 heterozygotes.

PreventionGenetics, part of Exact Sciences
Classification: Likely benign for COL6A3-related condition. Last evaluated: 2023-08-09. Review status: no assertion criteria provided. Collection method: clinical testing. Allele origin: germline. Not counted in ClinVar's aggregate classification.
Comment: This variant is classified as likely benign based on ACMG/AMP sequence variant interpretation guidelines (Richards et al. 2015 PMID: 25741868, with internal and published modifications).

NM_004369.4(COL6A3):c.6157-4T>G

Gene: COL6A3 (collagen type VI alpha 3 chain; minus strand). Cytogenetic location: 2q37.3.
Variant type: single nucleotide variant.
Coding change: c.6157-4T>G on transcript NM_004369.4 (MANE Select); 4 bases into the intron before coding-DNA position 6157, T replaced by G.
Molecular consequence: intron variant.
Genome position (GRCh38, 1-based): chr2:237,361,178, A>C on the plus strand (T>G on the coding strand, the complement: COL6A3 is on the minus strand). VCF-style: chr2-237361178-A-C. GRCh37 (hg19) VCF-style: chr2-238269821-A-C.
Other names: c.4336-4T>G (NM_057166.5); c.5539-4T>G (NM_057167.4); c.6157-4T>G (NM_004369.3).
Identifiers: ClinVar variation 166940 (VCV000166940.14), dbSNP rs536696110, ClinGen allele CA233828.